The following is an entry in ClinVar:

ClinVar aggregate classification (germline): Pathogenic/Likely pathogenic. Review status: criteria provided, multiple submitters, no conflicts (2 of 4 stars). 6 submissions from 6 submitters: Pathogenic (2); Likely pathogenic (3). 1 of the submissions does not count toward it. Last evaluated 2026-03-20.

Conditions:
Argininosuccinate lyase deficiency. Also called: ARGININOSUCCINIC ACID LYASE DEFICIENCY; ASL DEFICIENCY; Argininosuccinic aciduria. Identifiers: Orphanet 23, MedGen C0268547, MONDO:0008815, OMIM 207900, HP:0025630.
Inborn genetic diseases. Identifiers: MedGen C0950123, MeSH D030342.

Allele frequency attached by ClinVar (database versions not stated): gnomAD exomes below 0.00001 and 0.00001; ExAC 0.00001.
gnomAD v4.1: 9 of 1,613,874 alleles (0.00056%); highest among the groups gnomAD compares: South Asian, 0.0088%; no homozygotes.

Submissions (6):

Department of Basic Medical Sciences, College of Medicine, Taibah University
Classification: Likely pathogenic for Argininosuccinate lyase deficiency. Last evaluated: 2026-03-20. Review status: criteria provided, single submitter. Criteria: ACMG Guidelines, 2015. Collection method: research. Allele origin: germline. Inheritance: Autosomal recessive inheritance. Affected: yes. Observed: 1 variant allele, 1 homozygote.
Comment: The ASL c.1300G>T (p.Val434Leu) variant is a missense change associated with argininosuccinic aciduria, an autosomal recessive disorder. The variant is present at extremely low frequency in population databases (gnomAD). It was previously observed in a compound heterozygous state in two independent affected individuals (Bijarnia-Mahay et al., 2018). Additional supporting evidence includes a phenotype consistent with ASL deficiency.

Ambry Genetics
Classification: Pathogenic for Inborn genetic diseases. Last evaluated: 2026-01-12. Review status: criteria provided, single submitter. Criteria: Ambry Variant Classification Scheme 2023. Collection method: clinical testing. Allele origin: germline.
Comment: The c.1300G>T (p.V434L) alteration is located in exon 17 (coding exon 16) of the ASL gene. This alteration results from a G to T substitution at nucleotide position 1300, causing the valine (V) at amino acid position 434 to be replaced by a leucine (L). Based on data from gnomAD, the T allele has an overall frequency of <0.001% (1/250932) total alleles studied. The highest observed frequency was 0.003% (1/30616) of South Asian alleles. This variant has been identified in the homozygous state and/or in conjunction with other ASL variant(s) in individual(s) with features consistent with Argininosuccinic aciduria (Bijarnia-Mahay, 2018, Latif, 2024). This amino acid position is highly conserved in available vertebrate species. This alteration is predicted to be deleterious by in silico analysis. Based on the available evidence, this alteration is classified as pathogenic.

Natera, Inc.
Classification: Likely pathogenic for Argininosuccinate lyase deficiency. Last evaluated: 2024-11-18. Review status: criteria provided, single submitter. Criteria: Natera Variant Classification Schema (03/2026). Collection method: clinical testing. Allele origin: germline.
Comment: The c.1300G>T variant in ASL is a missense variant predicted to cause substitution of valine to leucine at amino acid 434. This variant is rare in the general population with a frequency below the threshold expected for the associated phenotype(s). This variant has been observed in one or more individuals affected with the associated recessive disease, as either homozygous or compound heterozygous with a second variant (PMID: 30285816, 38592052). Computational prediction algorithms indicate this variant is likely to affect gene or protein function. Given the available evidence, this variant is classified as Likely Pathogenic.

Labcorp Genetics (formerly Invitae), Labcorp
Classification: Pathogenic for Argininosuccinate lyase deficiency. Last evaluated: 2023-11-13. Review status: criteria provided, single submitter. Criteria: Invitae Variant Classification Sherloc (09022015). Collection method: clinical testing. Allele origin: germline.
Comment: This sequence change replaces valine, which is neutral and non-polar, with leucine, which is neutral and non-polar, at codon 434 of the ASL protein (p.Val434Leu). This variant is present in population databases (rs773071023, gnomAD 0.003%). This missense change has been observed in individual(s) with argininosuccinic aciduria (PMID: 24166829, 30285816). ClinVar contains an entry for this variant (Variation ID: 557968). Advanced modeling of protein sequence and biophysical properties (such as structural, functional, and spatial information, amino acid conservation, physicochemical variation, residue mobility, and thermodynamic stability) performed at Invitae indicates that this missense variant is expected to disrupt ASL protein function with a positive predictive value of 95%. For these reasons, this variant has been classified as Pathogenic.

Baylor Genetics
Classification: Likely pathogenic for Argininosuccinate lyase deficiency. Last evaluated: 2023-09-06. Review status: criteria provided, single submitter. Criteria: ACMG Guidelines, 2015. Collection method: clinical testing. Allele origin: unknown.

Counsyl
Classification: Uncertain significance for Argininosuccinate lyase deficiency. Last evaluated: 2018-04-20. Review status: no assertion criteria provided. Collection method: clinical testing. Allele origin: unknown. Not counted in ClinVar's aggregate classification.

Literature cited by the submitters: PubMed 38592052 (cited by 3 submitters); PubMed 24166829 (cited by 3 submitters); PubMed 30285816 (cited by 3 submitters).

NM_000048.4(ASL):c.1300G>T (p.Val434Leu)

Gene: ASL (argininosuccinate lyase; plus strand). Cytogenetic location: 7q11.21.
Variant type: single nucleotide variant.
Coding change: c.1300G>T on transcript NM_000048.4 (MANE Select); coding-DNA position 1300, G replaced by T.
Protein change: p.Val434Leu; replaces valine 434 with leucine.
Molecular consequence: missense variant.
Genome position (GRCh38, 1-based): chr7:66,092,817, G>T. VCF-style: chr7-66092817-G-T. GRCh37 (hg19) VCF-style: chr7-65557804-G-T.
Other names: c.1300G>T (NM_000048.3); c.1300G>T, p.Val434Leu (NM_001024943.2); c.1240G>T, p.Val414Leu (NM_001024944.2); c.1222G>T, p.Val408Leu (NM_001024946.2); short protein forms V434L, V408L, V414L.
Identifiers: ClinVar variation 557968 (VCV000557968.12), dbSNP rs773071023, ClinGen allele CA4277381.